The following is an entry in ClinVar:

NM_000352.6(ABCC8):c.1924-9C>T

Gene: ABCC8 (ATP binding cassette subfamily C member 8; minus strand). Cytogenetic location: 11p15.1.
Variant type: single nucleotide variant.
Coding change: c.1924-9C>T on transcript NM_000352.6 (MANE Select); 9 bases into the intron before coding-DNA position 1924, C replaced by T.
Molecular consequence: intron variant. On other transcripts: missense variant (1).
Genome position (GRCh38, 1-based): chr11:17,428,414, G>A on the plus strand (C>T on the coding strand, the complement: ABCC8 is on the minus strand). VCF-style: chr11-17428414-G-A. GRCh37 (hg19) VCF-style: chr11-17449961-G-A.
Other names: c.1981C>T, p.His661Tyr (NM_001351295.2); c.1921-9C>T (NM_001351297.2, NM_001351296.2); c.1924-9C>T (NM_001287174.3); short protein forms H661Y.
Identifiers: ClinVar variation 880040 (VCV000880040.12), dbSNP rs1218098329, ClinGen allele CA597904337.

ClinVar aggregate classification (germline): Conflicting classifications of pathogenicity. Review status: criteria provided, conflicting classifications (1 of 4 stars). 6 submissions from 3 submitters: Uncertain significance (5); Likely benign (1). Last evaluated 2026-01-27.

Conditions:
Transitory neonatal diabetes mellitus. Also called: Transient neonatal diabetes mellitus. Identifiers: MedGen C0342273, MONDO:0020525, HP:0008255.
Maturity-onset diabetes of the young (MODY). Also called: Maturity onset diabetes mellitus in young. Identifiers: Orphanet 552, MedGen C0342276, MONDO:0018911, HP:0004904.
Hyperinsulinemic hypoglycemia, familial, 1 (HHF1). Also called: Persistent hyperinsulinemic hypoglycemia of infancy; Persistent Hyperinsulinemia Hypoglycemia of Infancy; HYPERINSULINISM, FAMILIAL, WITH PANCREATIC NESIDIOBLASTOSIS; HYPOGLYCEMIA, HYPERINSULINEMIC, OF INFANCY; NESIDIOBLASTOSIS OF PANCREAS. Identifiers: Orphanet 276575, Orphanet 276598, MedGen C2931832, MONDO:0009734, OMIM 256450.
Diabetes mellitus, transient neonatal, 2 (TNDM2). Identifiers: Orphanet 99886, MedGen C1835887, MONDO:0012480, OMIM 610374. Disease mechanism: loss of function.
Permanent neonatal diabetes mellitus (PNDM). Identifiers: Orphanet 99885, MedGen C1833104, MONDO:0100164, MONDO:0011643. Disease mechanism: gain of function.

Allele frequency attached by ClinVar (database versions not stated): gnomAD exomes below 0.00001 and 0.00001; TOPMed below 0.00001.

Submissions (6):

Labcorp Genetics (formerly Invitae), Labcorp
Classification: Likely benign. Last evaluated: 2026-01-27. Review status: criteria provided, single submitter. Criteria: Invitae Variant Classification Sherloc (09022015). Collection method: clinical testing. Allele origin: germline.

Illumina Laboratory Services, Illumina
Classification: Uncertain significance for Diabetes mellitus, transient neonatal, 2. Last evaluated: 2018-01-12. Review status: criteria provided, single submitter. Criteria: ICSL Variant Classification Criteria 13 December 2019. Collection method: clinical testing. Allele origin: germline.

Illumina Laboratory Services, Illumina
Classification: Uncertain significance for Hyperinsulinemic hypoglycemia, familial, 1. Last evaluated: 2018-01-12. Review status: criteria provided, single submitter. Criteria: ICSL Variant Classification Criteria 13 December 2019. Collection method: clinical testing. Allele origin: germline.

Illumina Laboratory Services, Illumina
Classification: Uncertain significance for Permanent neonatal diabetes mellitus 1. Last evaluated: 2018-01-12. Review status: criteria provided, single submitter. Criteria: ICSL Variant Classification Criteria 13 December 2019. Collection method: clinical testing. Allele origin: germline.

Clinical Genomics, Uppaluri K&H Personalized Medicine Clinic
Classification: Uncertain significance for Maturity-onset diabetes of the young. Review status: criteria provided, single submitter. Criteria: K & H Uppaluri Personalized Medicine Clinic Variant Classification & Assertion Criteria_Updated V.1. Collection method: research. Allele origin: unknown. Inheritance: Somatic mutation.
Comment: Mutations in ABCC8 gene are associated with both neonatal diabetes mellitus as well as MODY. Patients with this mutation may have a better response to sulfonylureas. However, no sufficient evidence is found to ascertain the role of this particular variant ( rs1218098329) in MODY yet.

Clinical Genomics, Uppaluri K&H Personalized Medicine Clinic
Classification: Uncertain significance for Transitory neonatal diabetes mellitus. Review status: criteria provided, single submitter. Criteria: K & H Uppaluri Personalized Medicine Clinic Variant Classification & Assertion Criteria_Updated V.1. Collection method: research. Allele origin: unknown. Inheritance: Somatic mutation.
Comment: Mutations in ABCC8 gene are associated with both neonatal diabetes mellitus as well as MODY. Patients with this mutation may have a better response to sulfonylureas. However, no sufficient evidence is found to ascertain the role of this particular variant ( rs1218098329) in neonatal diabetes yet.

Literature cited by the submitters: PubMed 16885549 (cited by Clinical Genomics, Uppaluri K&H Personalized Medicine Clinic); PubMed 21989597 (cited by Clinical Genomics, Uppaluri K&H Personalized Medicine Clinic); PubMed 27538677 (cited by Clinical Genomics, Uppaluri K&H Personalized Medicine Clinic); PubMed 18981553 (cited by Clinical Genomics, Uppaluri K&H Personalized Medicine Clinic); PubMed 32027066 (cited by Clinical Genomics, Uppaluri K&H Personalized Medicine Clinic); PubMed 16613899 (cited by Clinical Genomics, Uppaluri K&H Personalized Medicine Clinic); PubMed 18025408 (cited by Clinical Genomics, Uppaluri K&H Personalized Medicine Clinic); PubMed 32792356 (cited by Clinical Genomics, Uppaluri K&H Personalized Medicine Clinic).